The following is an entry in ClinVar:

ClinVar aggregate classification (germline): Uncertain significance (1 of 4 stars; one submission).

Allele frequency attached by ClinVar (database versions not stated): gnomAD exomes below 0.00001; ExAC 0.00001; TOPMed 0.00001.

Submission:

Labcorp Genetics (formerly Invitae), Labcorp
Classification: Uncertain significance. Last evaluated: 2021-08-10. Review status: criteria provided, single submitter. Criteria: Invitae Variant Classification Sherloc (09022015). Collection method: clinical testing. Allele origin: germline.
Comment: In summary, the available evidence is currently insufficient to determine the role of this variant in disease. Therefore, it has been classified as a Variant of Uncertain Significance. Algorithms developed to predict the effect of missense changes on protein structure and function (SIFT, PolyPhen-2, Align-GVGD) all suggest that this variant is likely to be tolerated. This variant has not been reported in the literature in individuals affected with ADIPOR1-related conditions. This variant is present in population databases (rs754925881, ExAC 0.01%). This sequence change replaces arginine with cysteine at codon 130 of the ADIPOR1 protein (p.Arg130Cys). The arginine residue is highly conserved and there is a large physicochemical difference between arginine and cysteine.

NM_015999.6(ADIPOR1):c.388C>T (p.Arg130Cys)

Gene: ADIPOR1 (adiponectin receptor 1; minus strand). Cytogenetic location: 1q32.1.
Variant type: single nucleotide variant.
Coding change: c.388C>T on transcript NM_015999.6 (MANE Select); coding-DNA position 388, C replaced by T.
Protein change: p.Arg130Cys; replaces arginine 130 with cysteine.
Molecular consequence: missense variant.
Genome position (GRCh38, 1-based): chr1:202,946,481, G>A on the plus strand (C>T on the coding strand, the complement: ADIPOR1 is on the minus strand). VCF-style: chr1-202946481-G-A. GRCh37 (hg19) VCF-style: chr1-202915609-G-A.
Other names: c.388C>T, p.Arg130Cys (NM_001290553.2, NM_001290557.1, NM_001290629.1); short protein forms R130C.
Identifiers: ClinVar variation 1369984 (VCV001369984.6), dbSNP rs754925881, ClinGen allele CA1335969.